The following is an entry in ClinVar:

NM_000092.5(COL4A4):c.1241G>A (p.Gly414Asp)

Gene: COL4A4 (collagen type IV alpha 4 chain; minus strand). Cytogenetic location: 2q36.3.
Variant type: single nucleotide variant.
Coding change: c.1241G>A on transcript NM_000092.5 (MANE Select); coding-DNA position 1241, G replaced by A.
Protein change: p.Gly414Asp; replaces glycine 414 with aspartic acid.
Molecular consequence: missense variant.
Genome position (GRCh38, 1-based): chr2:227,094,253, C>T on the plus strand (G>A on the coding strand, the complement: COL4A4 is on the minus strand). VCF-style: chr2-227094253-C-T. GRCh37 (hg19) VCF-style: chr2-227958969-C-T.
Other names: short protein forms G414D.
Identifiers: ClinVar variation 1411368 (VCV001411368.9), dbSNP rs2150687507, ClinGen allele CA350852767.

ClinVar aggregate classification (germline): Conflicting classifications of pathogenicity. Review status: criteria provided, conflicting classifications (1 of 4 stars). 2 submissions from 2 submitters: Likely pathogenic (1); Uncertain significance (1). Last evaluated 2024-05-29.

Conditions:
Hematuria, benign familial, 1 (BFH1). Also called: THIN MEMBRANE NEPHROPATHY. Identifiers: MedGen CN376803, MONDO:0007709, OMIM 141200.
Autosomal recessive Alport syndrome (ATS2). Also called: ALPORT SYNDROME 2, AUTOSOMAL RECESSIVE; COL4A3-Related Nephropathy; Alport syndrome type 2; COL4A4 Alport Syndrome and Thin Basement Membrane Nephropathy. Identifiers: Orphanet 63, Orphanet 88919, MedGen C4746745, MONDO:0008762, OMIM 203780.

Submissions (2):

Fulgent Genetics
Classification: Likely pathogenic for Hematuria, benign familial, 1; Autosomal recessive Alport syndrome. Last evaluated: 2024-05-29. Review status: criteria provided, single submitter. Criteria: ACMG Guidelines, 2015. Collection method: clinical testing. Allele origin: germline.

Labcorp Genetics (formerly Invitae), Labcorp
Classification: Uncertain significance. Last evaluated: 2021-02-22. Review status: criteria provided, single submitter. Criteria: Invitae Variant Classification Sherloc (09022015). Collection method: clinical testing. Allele origin: germline.
Comment: In summary, the available evidence is currently insufficient to determine the role of this variant in disease. Therefore, it has been classified as a Variant of Uncertain Significance. Advanced modeling of protein sequence and biophysical properties (such as structural, functional, and spatial information, amino acid conservation, physicochemical variation, residue mobility, and thermodynamic stability) performed at Invitae indicates that this missense variant is expected to disrupt COL4A4 protein function. This variant has not been reported in the literature in individuals with COL4A4-related conditions. This variant is not present in population databases (ExAC no frequency). This sequence change replaces glycine with aspartic acid at codon 414 of the COL4A4 protein (p.Gly414Asp). The glycine residue is highly conserved and there is a moderate physicochemical difference between glycine and aspartic acid.